The following is an entry in ClinVar:

ClinVar aggregate classification (germline): Conflicting classifications of pathogenicity. Review status: criteria provided, conflicting classifications (1 of 4 stars). 3 submissions from 3 submitters: Uncertain significance (2); Benign (1). Last evaluated 2024-05-14.

Conditions:
Cardiovascular phenotype. Identifiers: MedGen CN230736.

Allele frequency attached by ClinVar (database versions not stated): gnomAD exomes 0.00001 and 0.00002; ExAC 0.00002; TOPMed 0.00004; gnomAD 0.00007; 1000 Genomes Project 30x 0.00016; 1000 Genomes Project 0.00020.
gnomAD v4.1: 24 of 1,614,094 alleles (0.0015%); highest among the groups gnomAD compares: African/African-American, 0.021%; no homozygotes.

Submissions (3):

Labcorp Genetics (formerly Invitae), Labcorp
Classification: Benign. Last evaluated: 2024-05-14. Review status: criteria provided, single submitter. Criteria: Invitae Variant Classification Sherloc (09022015). Collection method: clinical testing. Allele origin: germline.

Ambry Genetics
Classification: Uncertain significance for Cardiovascular phenotype. Last evaluated: 2021-11-05. Review status: criteria provided, single submitter. Criteria: Ambry Variant Classification Scheme 2023. Collection method: clinical testing. Allele origin: germline.
Comment: The p.R1897Q variant (also known as c.5690G>A), located in coding exon 41 of the ABCA1 gene, results from a G to A substitution at nucleotide position 5690. The arginine at codon 1897 is replaced by glutamine, an amino acid with highly similar properties. This amino acid position is conserved. In addition, the in silico prediction for this alteration is inconclusive. Since supporting evidence is limited at this time, the clinical significance of this alteration remains unclear.

Women's Health and Genetics/Laboratory Corporation of America, LabCorp
Classification: Uncertain significance. Last evaluated: 2017-02-27. Review status: criteria provided, single submitter. Criteria: LabCorp Variant Classification Summary - May 2015. Collection method: clinical testing. Allele origin: germline.
Comment: Variant summary: The ABCA1 c.5690G>A (p.Arg1897Gln) variant involves the alteration of a conserved nucleotide. It is located outside of some of known domains in ABCA1 protein and is predicted to be benign by 3/5 in silico tools. This variant was found in 3/121336 control chromosomes from ExAC at a frequency of 0.0000247, which is approximately 1.98 times the estimated maximal expected allele frequency of a pathogenic ABCA1 variant (0.0000125), suggesting this variant may be a rare benign polymorphism. However, with only three occurrences in ExAC, it is uncertain. The variant of interest has not, to our knowledge, been reported in literature and databases in affected individuals with phenotypes linked to this gene, nor evaluated for functional impact by in vivo/vitro studies. Taken together, this variant is classified as variant of unknown significance.

NM_005502.4(ABCA1):c.5690G>A (p.Arg1897Gln)

Gene: ABCA1 (ATP binding cassette subfamily A member 1; minus strand). Cytogenetic location: 9q31.1.
Variant type: single nucleotide variant.
Coding change: c.5690G>A on transcript NM_005502.4 (MANE Select); coding-DNA position 5690, G replaced by A.
Protein change: p.Arg1897Gln; replaces arginine 1897 with glutamine.
Molecular consequence: missense variant.
Genome position (GRCh38, 1-based): chr9:104,792,853, C>T on the plus strand (G>A on the coding strand, the complement: ABCA1 is on the minus strand). VCF-style: chr9-104792853-C-T. GRCh37 (hg19) VCF-style: chr9-107555134-C-T.
Other names: short protein forms R1897Q.
Identifiers: ClinVar variation 496295 (VCV000496295.11), dbSNP rs564049659, ClinGen allele CA5167756.
Genomic context (GRCh38, chr9:104,792,853, plus strand): 5'-AACTCCTTGATTTCTAAGATGTCATTCTGGCCTCCACCATCAAGAATTCTCTGTCTTTCC[C>T]GCCTCACATCTTCATCTTCATCATTCAGAGGAGATAGCTTTGCATTTACAGGTCTTGGGG-3'
Protein context (NP_005493.2, residues 1887-1907): PLNDEDEDVR[Arg1897Gln]ERQRILDGGG